The following is an entry in ClinVar:

NM_194454.3(KRIT1):c.1611T>A (p.Tyr537Ter)

Gene: KRIT1 (KRIT1 ankyrin repeat containing; minus strand). Cytogenetic location: 7q21.2.
Variant type: single nucleotide variant.
Coding change: c.1611T>A on transcript NM_194454.3 (MANE Select); coding-DNA position 1611, T replaced by A.
Protein change: p.Tyr537Ter; replaces tyrosine 537 with a stop codon.
Molecular consequence: nonsense.
Genome position (GRCh38, 1-based): chr7:92,214,730, A>T on the plus strand (T>A on the coding strand, the complement: KRIT1 is on the minus strand). VCF-style: chr7-92214730-A-T. GRCh37 (hg19) VCF-style: chr7-91844044-A-T.
Other names: c.1467T>A, p.Tyr489Ter (NM_001013406.2, NM_001350669.1, NM_001350670.1); c.897T>A, p.Tyr299Ter (NM_001350671.1); c.1611T>A, p.Tyr537Ter (NM_001350672.1, NM_001350673.1, NM_001350674.1 and 26 more transcripts); short protein forms Y537*, Y489*, Y299*.
Identifiers: ClinVar variation 3720759 (VCV003720759.2).

ClinVar aggregate classification (germline): Pathogenic (1 of 4 stars; one submission).

Conditions:
Cerebral cavernous malformation (CCM). Also called: Cerebral cavernous malformations; Cavernous Hemangioma of Brain; CAVERNOUS ANGIOMA, FAMILIAL; CAVERNOUS ANGIOMATOUS MALFORMATIONS; CEREBRAL CAPILLARY MALFORMATIONS; Cerebral cavernous hemangioma (type). Identifiers: Orphanet 221061, MedGen C2919945, MONDO:0000820, OMIM 116860, HP:0033522.

Submission:

Labcorp Genetics (formerly Invitae), Labcorp
Classification: Pathogenic for Cerebral cavernous malformation. Last evaluated: 2025-02-03. Review status: criteria provided, single submitter. Criteria: Invitae Variant Classification Sherloc (09022015). Collection method: clinical testing. Allele origin: germline.
Comment: This sequence change creates a premature translational stop signal (p.Tyr537*) in the KRIT1 gene. It is expected to result in an absent or disrupted protein product. Loss-of-function variants in KRIT1 are known to be pathogenic (PMID: 10508515, 11222804, 12404106, 24689081). This variant is not present in population databases (gnomAD no frequency). This premature translational stop signal has been observed in individual(s) with cerebral cavernous malformations (PMID: 11914398). It has also been observed to segregate with disease in related individuals. For these reasons, this variant has been classified as Pathogenic.

Literature cited by the submitters: PubMed 10508515; PubMed 11222804; PubMed 12404106; PubMed 24689081; PubMed 11914398.